The following is an entry in ClinVar:

ClinVar aggregate classification (germline): Pathogenic. Review status: reviewed by expert panel (3 of 4 stars). 6 submissions from 6 submitters: Pathogenic (1). 5 of the submissions do not count toward it. Last evaluated 2023-10-23.

Conditions:
CDH1-related diffuse gastric and lobular breast cancer syndrome. Also called: CDH1-related diffuse gastric and lobular breast cancer. Identifiers: MedGen CN311521, MONDO:0100488.
Hereditary cancer-predisposing syndrome. Also called: Hereditary neoplastic syndrome; Neoplastic Syndromes, Hereditary; Tumor predisposition; Hereditary Cancer Syndrome. Identifiers: Orphanet 140162, MedGen C0027672, MeSH D009386, MONDO:0015356.
Hereditary diffuse gastric adenocarcinoma (HDGC). Also called: DIFFUSE GASTRIC AND LOBULAR BREAST CANCER SYNDROME. Identifiers: Orphanet 26106, MedGen C1708349, MONDO:0007648, OMIM 137215.

Submissions (6):

Clingen Gastric Cancer Variant Curation Expert Panel
Classification: Pathogenic for CDH1-related diffuse gastric and lobular breast cancer syndrome. Last evaluated: 2023-10-23. Review status: reviewed by expert panel. Criteria: ClinGen CDH1 ACMG Specifications V3.1. Collection method: curation. Allele origin: germline. Inheritance: Autosomal dominant inheritance.
Comment: The c.1711+1G>C is a canonical splice variant predicted to result in a truncated or absent protein (PVS1_Strong, PM5_Supporting). RNA studies have demonstrated that this alteration results in abnormal out of frame splicing (PS3). This variant is absent in the gnomAD cohort (PM2_Supporting). The variant has been reported in three families meeting HDGC clinical criteria (PS4_Moderate; SCV000329230.6). In summary, this variant meets criteria to be classified as pathogenic based on the ACMG/AMP criteria applied as specified by the CDH1 Variant Curation Expert Panel (Variant Interpretation Guidelines Version 3.1): PVS1_Strong, PM2_Supporting, PS3, PS4_Moderate, PM5_Supporting.

Myriad Genetics, Inc.
Classification: Likely pathogenic for Hereditary diffuse gastric adenocarcinoma. Last evaluated: 2024-10-09. Review status: criteria provided, single submitter. Criteria: Myriad Autosomal Dominant, Autosomal Recessive and X-Linked Classification Criteria (2023). Collection method: clinical testing. Allele origin: unknown. Not counted in ClinVar's aggregate classification.
Comment: This variant is considered likely pathogenic. This variant occurs within a consensus splice junction and is predicted to result in abnormal mRNA splicing of either an out-of-frame exon or an in-frame exon necessary for protein stability and/or normal function.

Ambry Genetics
Classification: Likely pathogenic for Hereditary cancer-predisposing syndrome. Last evaluated: 2023-12-21. Review status: criteria provided, single submitter. Criteria: Ambry Variant Classification Scheme 2023. Collection method: clinical testing. Allele origin: germline. Not counted in ClinVar's aggregate classification.
Comment: The c.1711+1G>C intronic variant results from a G to C substitution one nucleotide after coding exon 11 of the CDH1 gene. This variant has been reported in an individual with lobular breast cancer and in a cleft lip/palate (CLP) / hereditary diffuse gastric cancer (HDGC) family (Sarri&oacute; D et al. Int J Cancer, 2003 Aug;106:208-15, Obermair F et al. Fam Cancer, 2019 04;18:253-260). In silico splice site analysis predicts that this alteration will weaken the native splice donor site. RNA studies have demonstrated that this alteration results in abnormal splicing in the set of samples tested (Ambry internal data). Alterations that disrupt the canonical splice site are expected to cause aberrant splicing, resulting in an abnormal protein or a transcript that is subject to nonsense-mediated mRNA decay. Based on the majority of available evidence to date, this variant is likely to be pathogenic.

Labcorp Genetics (formerly Invitae), Labcorp
Classification: Likely pathogenic for Hereditary diffuse gastric adenocarcinoma. Last evaluated: 2023-12-05. Review status: criteria provided, single submitter. Criteria: Invitae Variant Classification Sherloc (09022015). Collection method: clinical testing. Allele origin: germline. Not counted in ClinVar's aggregate classification.
Comment: This sequence change affects a donor splice site in intron 11 of the CDH1 gene. RNA analysis indicates that disruption of this splice site induces altered splicing and may result in an absent or disrupted protein product. This variant is not present in population databases (gnomAD no frequency). Disruption of this splice site has been observed in individual(s) with hereditary diffuse gastric cancer (PMID: 30306390). ClinVar contains an entry for this variant (Variation ID: 279747). Studies have shown that disruption of this splice site results in skipping of exon 11 and introduces a premature termination codon (Invitae). The resulting mRNA is expected to undergo nonsense-mediated decay. In summary, the currently available evidence indicates that the variant is pathogenic, but additional data are needed to prove that conclusively. Therefore, this variant has been classified as Likely Pathogenic.

MGZ Medical Genetics Center
Classification: Pathogenic for Hereditary diffuse gastric adenocarcinoma. Last evaluated: 2022-07-21. Review status: criteria provided, single submitter. Criteria: ACMG Guidelines, 2015. Collection method: clinical testing. Allele origin: germline. Affected: yes. Observed: 1 variant allele. Not counted in ClinVar's aggregate classification.
Comment: ACMG criteria applied: PVS1, PS4_SUP, PM2_SUP

GeneDx
Classification: Pathogenic. Last evaluated: 2015-08-25. Review status: criteria provided, single submitter. Criteria: GeneDx Variant Classification (06012015). Collection method: clinical testing. Allele origin: germline. Affected: yes. Not counted in ClinVar's aggregate classification.
Comment: This pathogenic variant is denoted CDH1 c.1711+1 G>C or IVS11+1 G>C and consists of a G>C nucleotide substitution at the +1 position of intron 11 of the CDH1 gene. The variant destroys a canonical splice donor site and is predicted to cause abnormal gene splicing, leading to either an abnormal message that is subject to nonsense-mediated mRNA decay or to an abnormal protein product. This variant has been reported in a lobular breast tumor (Sarrio 2003). We therefore consider this variant to be pathogenic.

Literature cited by the submitters: PubMed 12800196 (cited by Clingen Gastric Cancer Variant Curation Expert Panel and Ambry Genetics); PubMed 30306390 (cited by Ambry Genetics and Labcorp Genetics (formerly Invitae), Labcorp).

NM_004360.5(CDH1):c.1711+1G>C

Gene: CDH1 (cadherin 1; plus strand). Cytogenetic location: 16q22.1.
Variant type: single nucleotide variant.
Coding change: c.1711+1G>C on transcript NM_004360.5 (MANE Select); the canonical splice donor site of the intron after coding-DNA position 1711, G replaced by C.
Molecular consequence: splice donor variant. On other transcripts: intron variant (1).
Genome position (GRCh38, 1-based): chr16:68,819,426, G>C. VCF-style: chr16-68819426-G-C. GRCh37 (hg19) VCF-style: chr16-68853329-G-C.
Other names: c.163+1G>C (NM_001317185.2); c.-254-2575G>C (NM_001317186.2); c.1528+1G>C (NM_001317184.2).
Identifiers: ClinVar variation 279747 (VCV000279747.19), dbSNP rs886041161, ClinGen allele CA10603548.
Genomic context (GRCh38, chr16:68,819,426, plus strand): 5'-AGGATTTTGAGCACGTGAAGAACAGCACGTACACAGCCCTAATCATAGCTACAGACAATG[G>C]TAAGGGGGCCTCATCTGAGCCTTTGCTGCCTCGACCTCCTAGCTAGTTCAGTTCCTTGCC-3'